The following is an entry in ClinVar:

ClinVar aggregate classification (germline): Likely benign. Review status: criteria provided, multiple submitters, no conflicts (2 of 4 stars). 4 submissions from 4 submitters: Likely benign (4). Last evaluated 2026-01-05.

Conditions:
Complement component 3 deficiency. Identifiers: Orphanet 280133, MedGen C3151071, MONDO:0013417, OMIM 613779.
Atypical hemolytic-uremic syndrome with C3 anomaly. Also called: AHUS, SUSCEPTIBILITY TO, 5. Identifiers: Orphanet 2134, MedGen C2752037, MONDO:0013043, OMIM 612925.
Age related macular degeneration 9. Identifiers: MedGen C1969651, MONDO:0012659, OMIM 611378.

Allele frequency attached by ClinVar (database versions not stated): ExAC 0.00024; gnomAD exomes 0.00025 and 0.00050; gnomAD 0.00027 and 0.00029; ESP Exome Variant Server 0.00031; TOPMed 0.00031; 1000 Genomes Project 30x 0.00078; 1000 Genomes Project 0.00080.
gnomAD v4.1: 777 of 1,614,008 alleles (0.048%); highest among the groups gnomAD compares: Non-Finnish European, 0.059%; no homozygotes.

Submissions (4):

Labcorp Genetics (formerly Invitae), Labcorp
Classification: Likely benign. Last evaluated: 2026-01-05. Review status: criteria provided, single submitter. Criteria: Invitae Variant Classification Sherloc (09022015). Collection method: clinical testing. Allele origin: germline.

Blueprint Genetics
Classification: Likely benign. Last evaluated: 2024-11-26. Review status: criteria provided, single submitter. Criteria: ACMG Guidelines, 2015. Collection method: clinical testing. Allele origin: germline.

CeGaT Center for Human Genetics Tuebingen
Classification: Likely benign. Last evaluated: 2023-06-01. Review status: criteria provided, single submitter. Criteria: CeGaT Center For Human Genetics Tuebingen Variant Classification Criteria Version 2. Collection method: clinical testing. Allele origin: germline. Affected: yes. Observed: 1 variant allele.
Comment: C3: BP4, BP7

Fulgent Genetics
Classification: Likely benign for Age related macular degeneration 9; Atypical hemolytic-uremic syndrome with C3 anomaly; Complement component 3 deficiency. Last evaluated: 2021-12-15. Review status: criteria provided, single submitter. Criteria: ACMG Guidelines, 2015. Collection method: clinical testing. Allele origin: unknown.

NM_000064.4(C3):c.3855C>T (p.Asp1285=)

Gene: C3 (complement C3; minus strand). Cytogenetic location: 19p13.3.
Variant type: single nucleotide variant.
Coding change: c.3855C>T on transcript NM_000064.4 (MANE Select); coding-DNA position 3855, C replaced by T.
Protein change: p.Asp1285=; no amino-acid change (aspartic acid 1285 retained).
Molecular consequence: synonymous variant.
Genome position (GRCh38, 1-based): chr19:6,685,102, G>A on the plus strand (C>T on the coding strand, the complement: C3 is on the minus strand). VCF-style: chr19-6685102-G-A. GRCh37 (hg19) VCF-style: chr19-6685113-G-A.
Identifiers: ClinVar variation 750598 (VCV000750598.36), dbSNP rs142359391, ClinGen allele CA9128609.